The following is an entry in ClinVar:

NM_000377.3(WAS):c.1252G>A (p.Ala418Thr)

Gene: WAS (WASP actin nucleation promoting factor; plus strand). Cytogenetic location: Xp11.23.
Variant type: single nucleotide variant.
Coding change: c.1252G>A on transcript NM_000377.3 (MANE Select); coding-DNA position 1252, G replaced by A.
Protein change: p.Ala418Thr; replaces alanine 418 with threonine.
Molecular consequence: missense variant.
Genome position (GRCh38, 1-based): chrX:48,688,980, G>A. VCF-style: chrX-48688980-G-A. GRCh37 (hg19) VCF-style: chrX-48547369-G-A.
Other names: short protein forms A418T.
Identifiers: ClinVar variation 844715 (VCV000844715.8), dbSNP rs782784813, ClinGen allele CA412873587.
Genomic context (GRCh38, chrX:48,688,980, plus strand): 5'-CCACCACCGCCACCGCCGCCCAGCTCCGGGAATGGACCAGCCCCTCCCCCACTCCCTCCT[G>A]CTCTGGTGCCTGCCGGGGGCCTGGCCCCTGGTGGGGGTCGGGGAGCGCTTTTGGATCAAA-3'
Protein context (NP_000368.1, residues 408-428): NGPAPPPLPP[Ala418Thr]LVPAGGLAPG

ClinVar aggregate classification (germline): Uncertain significance (1 of 4 stars; one submission).

Conditions:
X-linked severe congenital neutropenia (SCNX). Identifiers: Orphanet 86788, MedGen C1845987, MONDO:0010294, OMIM 300299.
Thrombocytopenia 1. Also called: X-linked thrombocytopenia with normal platelets; THROMBOCYTOPENIA, X-LINKED, 1; X-Linked Thrombocytopenia (XLT). Identifiers: Orphanet 268322, Orphanet 852, MedGen C1839163, MONDO:0010743, OMIM 313900.
Wiskott-Aldrich syndrome (WAS). Also called: WISKOTT-ALDRICH SYNDROME 1; Wiskott-aldrich syndrome, somatic; ALDRICH SYNDROME; IMMUNODEFICIENCY 2. Identifiers: Orphanet 906, MedGen C0043194, MONDO:0010518, OMIM 301000.

Submission:

Labcorp Genetics (formerly Invitae), Labcorp
Classification: Uncertain significance for Wiskott-Aldrich syndrome; X-linked severe congenital neutropenia; Thrombocytopenia 1. Last evaluated: 2023-11-27. Review status: criteria provided, single submitter. Criteria: Invitae Variant Classification Sherloc (09022015). Collection method: clinical testing. Allele origin: germline.
Comment: This sequence change replaces alanine, which is neutral and non-polar, with threonine, which is neutral and polar, at codon 418 of the WAS protein (p.Ala418Thr). This variant is not present in population databases (gnomAD no frequency). This variant has not been reported in the literature in individuals affected with WAS-related conditions. ClinVar contains an entry for this variant (Variation ID: 844715). Advanced modeling of protein sequence and biophysical properties (such as structural, functional, and spatial information, amino acid conservation, physicochemical variation, residue mobility, and thermodynamic stability) performed at Invitae indicates that this missense variant is not expected to disrupt WAS protein function with a negative predictive value of 95%. In summary, the available evidence is currently insufficient to determine the role of this variant in disease. Therefore, it has been classified as a Variant of Uncertain Significance.